The following is an entry in ClinVar:

NM_000264.5(PTCH1):c.2607G>A (p.Met869Ile)

Gene: PTCH1 (patched 1; minus strand). Cytogenetic location: 9q22.32.
Variant type: single nucleotide variant.
Coding change: c.2607G>A on transcript NM_000264.5 (MANE Select); coding-DNA position 2607, G replaced by A.
Protein change: p.Met869Ile; replaces methionine 869 with isoleucine.
Molecular consequence: missense variant. On other transcripts: non-coding transcript variant (1).
Genome position (GRCh38, 1-based): chr9:95,461,952, C>T on the plus strand (G>A on the coding strand, the complement: PTCH1 is on the minus strand). VCF-style: chr9-95461952-C-T. GRCh37 (hg19) VCF-style: chr9-98224234-C-T.
Other names: c.2607G>A (NM_000264.3); c.2409G>A, p.Met803Ile (NM_001083602.3); c.2604G>A, p.Met868Ile (NM_001083603.3); c.2154G>A, p.Met718Ile (NM_001083604.3, NM_001083605.3, NM_001083606.3 and 1 more transcripts); c.2451G>A, p.Met817Ile (NM_001354918.2); short protein forms M817I, M718I, M869I, M803I, M868I.
Identifiers: ClinVar variation 1438259 (VCV001438259.8), dbSNP rs2136688957, ClinGen allele CA374113488.

ClinVar aggregate classification (germline): Uncertain significance. Review status: criteria provided, multiple submitters, no conflicts (2 of 4 stars). 2 submissions from 2 submitters: Uncertain significance (2). Last evaluated 2025-11-11.

Conditions:
Hereditary cancer-predisposing syndrome. Also called: Neoplastic Syndromes, Hereditary; Hereditary Cancer Syndrome; Tumor predisposition; Hereditary neoplastic syndrome. Identifiers: Orphanet 140162, MedGen C0027672, MeSH D009386, MONDO:0015356.
Gorlin syndrome. Also called: Basal cell nevus syndrome; Nevoid Basal Cell Carcinoma Syndrome. Identifiers: Orphanet 377, MedGen C0004779, MONDO:0007187.

Submissions (2):

Ambry Genetics
Classification: Uncertain significance for Hereditary cancer-predisposing syndrome. Last evaluated: 2025-11-11. Review status: criteria provided, single submitter. Criteria: Ambry Variant Classification Scheme 2023. Collection method: clinical testing. Allele origin: germline.
Comment: The p.M869I variant (also known as c.2607G>A), located in coding exon 16 of the PTCH1 gene, results from a G to A substitution at nucleotide position 2607. The methionine at codon 869 is replaced by isoleucine, an amino acid with highly similar properties. This amino acid position is conserved. In addition, this alteration is predicted to be tolerated by in silico analysis. Since supporting evidence is limited at this time, the clinical significance of this alteration remains unclear.

Labcorp Genetics (formerly Invitae), Labcorp
Classification: Uncertain significance for Gorlin syndrome. Last evaluated: 2024-07-09. Review status: criteria provided, single submitter. Criteria: Invitae Variant Classification Sherloc (09022015). Collection method: clinical testing. Allele origin: germline.
Comment: This sequence change replaces methionine, which is neutral and non-polar, with isoleucine, which is neutral and non-polar, at codon 869 of the PTCH1 protein (p.Met869Ile). This variant is not present in population databases (gnomAD no frequency). This variant has not been reported in the literature in individuals affected with PTCH1-related conditions. ClinVar contains an entry for this variant (Variation ID: 1438259). Advanced modeling of protein sequence and biophysical properties (such as structural, functional, and spatial information, amino acid conservation, physicochemical variation, residue mobility, and thermodynamic stability) performed at Invitae indicates that this missense variant is not expected to disrupt PTCH1 protein function with a negative predictive value of 95%. In summary, the available evidence is currently insufficient to determine the role of this variant in disease. Therefore, it has been classified as a Variant of Uncertain Significance.